The following is an entry in ClinVar:

ClinVar aggregate classification (germline): Pathogenic (1 of 4 stars; one submission).

Conditions:
Danon disease. Also called: PSEUDOGLYCOGENOSIS II; GSD IIb; LYSOSOMAL GLYCOGEN STORAGE DISEASE WITHOUT ACID MALTASE DEFICIENCY; Glycogen Storage Disease Type IIb; ANTOPOL DISEASE. Identifiers: Orphanet 34587, MedGen C0878677, MONDO:0010281, OMIM 300257.

Submission:

Labcorp Genetics (formerly Invitae), Labcorp
Classification: Pathogenic for Danon disease. Last evaluated: 2025-03-07. Review status: criteria provided, single submitter. Criteria: Invitae Variant Classification Sherloc (09022015). Collection method: clinical testing. Allele origin: germline.
Comment: This sequence change creates a premature translational stop signal (p.Ser107Phefs*3) in the LAMP2 gene. It is expected to result in an absent or disrupted protein product. Loss-of-function variants in LAMP2 are known to be pathogenic (PMID: 21415759). This variant is not present in population databases (gnomAD no frequency). This variant has not been reported in the literature in individuals affected with LAMP2-related conditions. For these reasons, this variant has been classified as Pathogenic.

Literature cited by the submitters: PubMed 21415759.

NM_002294.3(LAMP2):c.320_327del (p.Ser107fs)

Gene: LAMP2 (lysosome associated membrane protein 2; minus strand). Cytogenetic location: Xq24.
Variant type: Deletion.
Coding change: c.320_327del on transcript NM_002294.3 (MANE Select); coding-DNA positions 320 to 327, 8 bases deleted (CTACTTAT; older notation c.320_327delCTACTTAT).
Protein change: p.Ser107fs; shifts the reading frame from serine 107.
Molecular consequence: frameshift variant.
Genome position (GRCh38, 1-based): chrX:120,455,427-120,455,434, ATAAGTAG deleted on the plus strand (CTACTTAT on the coding strand, the reverse complement: LAMP2 is on the minus strand); deleting any 8 consecutive bases within chrX:120,455,427-120,455,436 gives the same sequence; the c. name uses the placement nearest the transcript's 3' end. VCF-style (leftmost placement, unchanged base first): chrX-120455426-AATAAGTAG-A. GRCh37 (hg19) VCF-style: chrX-119589281-AATAAGTAG-A.
Other names: c.320_327del, p.Ser107fs (NM_001122606.1, NM_013995.2); short protein forms S107fs.
Identifiers: ClinVar variation 4714573 (VCV004714573.1).